The following is an entry in ClinVar:

NM_001035.3(RYR2):c.14098T>G (p.Ser4700Ala)

Gene: RYR2 (ryanodine receptor 2; plus strand). Cytogenetic location: 1q43.
Variant type: single nucleotide variant.
Coding change: c.14098T>G on transcript NM_001035.3 (MANE Select); coding-DNA position 14098, T replaced by G.
Protein change: p.Ser4700Ala; replaces serine 4700 with alanine.
Molecular consequence: missense variant.
Genome position (GRCh38, 1-based): chr1:237,801,863, T>G. VCF-style: chr1-237801863-T-G. GRCh37 (hg19) VCF-style: chr1-237965163-T-G.
Other names: c.14098T>G (NM_001035.2); short protein forms S4700A.
Identifiers: ClinVar variation 923408 (VCV000923408.12), dbSNP rs766629125, ClinGen allele CA085580.

ClinVar aggregate classification (germline): Uncertain significance. Review status: criteria provided, multiple submitters, no conflicts (2 of 4 stars). 5 submissions from 5 submitters: Uncertain significance (5). Last evaluated 2025-05-23.

Conditions:
Cardiovascular phenotype. Identifiers: MedGen CN230736.
Catecholaminergic polymorphic ventricular tachycardia (CVPT). Also called: Catecholamine-induced polymorphic ventricular tachycardia. Identifiers: Orphanet 3286, MedGen C5574922, MONDO:0017990.
Cardiomyopathy (CMYO). Also called: Cardiomyopathies. Identifiers: Orphanet 167848, MedGen C0878544, MONDO:0004994, HP:0001638. Inheritance: Various modes of inheritance.
Catecholaminergic polymorphic ventricular tachycardia 1. Also called: VENTRICULAR TACHYCARDIA, CATECHOLAMINERGIC POLYMORPHIC, 1, WITH OR WITHOUT ATRIAL DYSFUNCTION AND/OR DILATED CARDIOMYOPATHY; RYR2-Related Catecholaminergic Polymorphic Ventricular Tachycardia; VENTRICULAR TACHYCARDIA, STRESS-INDUCED POLYMORPHIC 1. Identifiers: Orphanet 3286, MedGen C1631597, MONDO:0011484, OMIM 604772.

Allele frequency attached by ClinVar (database versions not stated): TOPMed below 0.00001; gnomAD 0.00001 and 0.00004; gnomAD exomes 0.00001; ExAC 0.00002.
gnomAD v4.1: 31 of 1,584,666 alleles (0.002%); highest among the groups gnomAD compares: East Asian, 0.011%; no homozygotes.

Submissions (5):

Labcorp Genetics (formerly Invitae), Labcorp
Classification: Uncertain significance for Catecholaminergic polymorphic ventricular tachycardia 1. Last evaluated: 2025-05-23. Review status: criteria provided, single submitter. Criteria: Invitae Variant Classification Sherloc (09022015). Collection method: clinical testing. Allele origin: germline.
Comment: This sequence change replaces serine, which is neutral and polar, with alanine, which is neutral and non-polar, at codon 4700 of the RYR2 protein (p.Ser4700Ala). This variant is present in population databases (rs766629125, gnomAD 0.02%). This variant has not been reported in the literature in individuals affected with RYR2-related conditions. ClinVar contains an entry for this variant (Variation ID: 923408). Invitae Evidence Modeling of protein sequence and biophysical properties (such as structural, functional, and spatial information, amino acid conservation, physicochemical variation, residue mobility, and thermodynamic stability) indicates that this missense variant is not expected to disrupt RYR2 protein function with a negative predictive value of 95%. In summary, the available evidence is currently insufficient to determine the role of this variant in disease. Therefore, it has been classified as a Variant of Uncertain Significance.

Ambry Genetics
Classification: Uncertain significance for Cardiovascular phenotype. Last evaluated: 2024-11-16. Review status: criteria provided, single submitter. Criteria: Ambry Variant Classification Scheme 2023. Collection method: clinical testing. Allele origin: germline.
Comment: The p.S4700A variant (also known as c.14098T>G), located in coding exon 98 of the RYR2 gene, results from a T to G substitution at nucleotide position 14098. The serine at codon 4700 is replaced by alanine, an amino acid with similar properties. This amino acid position is highly conserved in available vertebrate species. In addition, the in silico prediction for this alteration is inconclusive. Based on the available evidence, the clinical significance of this variant remains unclear.

All of Us Research Program, National Institutes of Health
Classification: Uncertain significance for Catecholaminergic polymorphic ventricular tachycardia. Last evaluated: 2024-06-17. Review status: criteria provided, single submitter. Criteria: ACMG Guidelines, 2015. Collection method: clinical testing. Allele origin: germline. Inheritance: Autosomal dominant inheritance. Observed: 6 variant alleles, 6 heterozygotes.
Comment: This missense variant replaces serine with alanine at codon 4700 of the RYR2 protein. Computational prediction is inconclusive regarding the impact of this variant on protein structure and function (internally defined REVEL score threshold 0.5 < inconclusive < 0.7, PMID: 27666373). To our knowledge, functional studies have not been reported for this variant. This variant has not been reported in individuals affected with RYR2-related disorders in the literature. This variant has been identified in 3/275832 chromosomes in the general population by the Genome Aggregation Database (gnomAD). The available evidence is insufficient to determine the role of this variant in disease conclusively. Therefore, this variant is classified as a Variant of Uncertain Significance.

This study involves interpretation of variants in research participants for the purpose of population health screening. Participant phenotype was not available at the time of variant classification. Additional details can be found in publication PMID: 35346344, PMCID: PMC8962531

Color Diagnostics, LLC DBA Color Health
Classification: Uncertain significance for Cardiomyopathy. Last evaluated: 2024-03-06. Review status: criteria provided, single submitter. Criteria: ACMG Guidelines, 2015. Collection method: clinical testing. Allele origin: germline.
Comment: This missense variant replaces serine with alanine at codon 4700 of the RYR2 protein. Computational prediction is inconclusive regarding the impact of this variant on protein structure and function (internally defined REVEL score threshold 0.5 < inconclusive < 0.7, PMID: 27666373). To our knowledge, functional studies have not been reported for this variant. This variant has not been reported in individuals affected with RYR2-related disorders in the literature. This variant has been identified in 3/275832 chromosomes in the general population by the Genome Aggregation Database (gnomAD). The available evidence is insufficient to determine the role of this variant in disease conclusively. Therefore, this variant is classified as a Variant of Uncertain Significance.

GeneDx
Classification: Uncertain significance. Last evaluated: 2022-11-30. Review status: criteria provided, single submitter. Criteria: GeneDx Variant Classification Process June 2021. Collection method: clinical testing. Allele origin: germline. Affected: yes.
Comment: In silico analysis supports that this missense variant does not alter protein structure/function; Located in one of the three hot-spot regions of the RYR2 gene, where the majority of pathogenic missense variants occur (Medeiros-Domingo et al., 2009); Not observed at significant frequency in large population cohorts (gnomAD); Has not been previously published as pathogenic or benign to our knowledge; This variant is associated with the following publications: (PMID: 19926015)